The following is an entry in ClinVar:

ClinVar aggregate classification (germline): Uncertain significance. Review status: criteria provided, multiple submitters, no conflicts (2 of 4 stars). 3 submissions from 3 submitters: Uncertain significance (3). Last evaluated 2025-08-11.

Conditions:
Hereditary cancer-predisposing syndrome. Also called: Tumor predisposition; Hereditary Cancer Syndrome; Hereditary neoplastic syndrome; Neoplastic Syndromes, Hereditary. Identifiers: Orphanet 140162, MedGen C0027672, MeSH D009386, MONDO:0015356.
Hereditary breast ovarian cancer syndrome. Also called: Breast and ovarian cancer; Hereditary breast and ovarian cancer; Hereditary breast and/or ovarian cancer syndrome; BRCA1- and BRCA2-Associated Hereditary Breast and Ovarian Cancer; Hereditary breast and ovarian cancer syndrome (HBOC); Hereditary breast and ovarian cancer syndrome. Identifiers: Orphanet 145, MedGen C0677776, MeSH D061325, MONDO:0003582. Disease mechanism: loss of function.

Submissions (3):

Ambry Genetics
Classification: Uncertain significance for Hereditary cancer-predisposing syndrome. Last evaluated: 2025-08-11. Review status: criteria provided, single submitter. Criteria: Ambry Variant Classification Scheme 2023. Collection method: clinical testing. Allele origin: germline.
Comment: The c.3069_3074delCATTAA variant (also known as p.N1023_I1024del) is located in coding exon 10 of the BRCA2 gene. This variant results from an in-frame CATTAA deletion at nucleotide positions 3069 to 3074. This results in the in-frame deletion of two amino acids at codons 1023 and 1024. This alteration was observed with an allele frequency of 0.0000 in 7,051 unselected female breast cancer patients and was observed with an allele frequency of 0.00009 in 11,241 female controls of Japanese ancestry. In addition, it was observed with an allele frequency of 0.0000 in 53 unselected male breast cancer patients and was observed with an allele frequency of 0.0000 in 12,490 male controls of Japanese ancestry (Momozawa Y et al. Nat Commun, 2018 10;9:4083). One functional study indicated that expression of this variant led to significantly increased levels of proliferation and migration/invasion compared to wild-type when expressed in human breast cancer cell lines. However, this alteration did not exhibit increased sensitivity to the PARP inhibitor Olaparib in this study, therefore, additional evidence is needed to confirm these findings (Shi Q et al. Transl Oncol. 2025 Sep;59:102471). These amino acid positions are not well conserved in available vertebrate species. In addition, this alteration is predicted to be deleterious by in silico analysis (Choi Y et al. PLoS ONE. 2012; 7(10):e46688). Based on the available evidence, the clinical significance of this variant remains unclear.

Labcorp Genetics (formerly Invitae), Labcorp
Classification: Uncertain significance for Hereditary breast ovarian cancer syndrome. Last evaluated: 2025-07-08. Review status: criteria provided, single submitter. Criteria: Invitae Variant Classification Sherloc (09022015). Collection method: clinical testing. Allele origin: germline.
Comment: This variant, c.3069_3074del, results in the deletion of 2 amino acid(s) of the BRCA2 protein (p.Asn1023_Ile1024del), but otherwise preserves the integrity of the reading frame. This variant is present in population databases (rs730881605, gnomAD 0.008%). This variant has been observed in individual(s) with clinical features of BRCA2-related conditions (internal data). ClinVar contains an entry for this variant (Variation ID: 182312). Experimental studies and prediction algorithms are not available or were not evaluated, and the functional significance of this variant is currently unknown. In summary, the available evidence is currently insufficient to determine the role of this variant in disease. Therefore, it has been classified as a Variant of Uncertain Significance.

GeneDx
Classification: Uncertain significance. Last evaluated: 2023-12-04. Review status: criteria provided, single submitter. Criteria: GeneDx Variant Classification Process June 2021. Collection method: clinical testing. Allele origin: germline. Affected: yes.
Comment: In-frame deletion of 2 amino acids in a non-repeat region; In silico analysis supports a deleterious effect on protein structure/function; Not observed at significant frequency in large population cohorts (gnomAD); Also known as 3297_3302del and 3066_3071del; This variant is associated with the following publications: (PMID: 31281162, 32486089, 32467295, 36243179, 30287823, 9002670, 22193408)

Literature cited by the submitters: PubMed 30287823 (cited by Ambry Genetics); PubMed 40664060 (cited by Ambry Genetics).

NM_000059.4(BRCA2):c.3069_3074del (p.Asn1023_Ile1024del)

Gene: BRCA2 (BRCA2 DNA repair associated; plus strand). Cytogenetic location: 13q13.1.
Variant type: Deletion.
Coding change: c.3069_3074del on transcript NM_000059.4 (MANE Select); coding-DNA positions 3069 to 3074, 6 bases deleted (CATTAA; older notation c.3069_3074delCATTAA).
Protein change: p.Asn1023_Ile1024del.
Molecular consequence: inframe deletion.
Genome position (GRCh38, 1-based): chr13:32,337,424-32,337,429, CATTAA deleted; deleting any 6 consecutive bases within chr13:32,337,421-32,337,429 gives the same sequence; the c. name uses the placement nearest the transcript's 3' end. VCF-style (leftmost placement, unchanged base first): chr13-32337420-ATAACAT-A. GRCh37 (hg19) VCF-style: chr13-32911557-ATAACAT-A.
Other names: c.3069_3074delCATTAA (NM_000059.3).
Identifiers: ClinVar variation 182312 (VCV000182312.20), dbSNP rs730881605, ClinGen allele CA017148.